The following is an entry in ClinVar:

NM_022828.5(YTHDC2):c.1955G>A (p.Ser652Asn)

Gene: YTHDC2 (YTH N6-methyladenosine RNA binding protein C2; plus strand). Cytogenetic location: 5q22.2.
Variant type: single nucleotide variant.
Coding change: c.1955G>A on transcript NM_022828.5 (MANE Select); coding-DNA position 1955, G replaced by A.
Protein change: p.Ser652Asn; replaces serine 652 with asparagine.
Molecular consequence: missense variant.
Genome position (GRCh38, 1-based): chr5:113,553,677, G>A. VCF-style: chr5-113553677-G-A. GRCh37 (hg19) VCF-style: chr5-112889374-G-A.
Other names: c.1469G>A, p.Ser490Asn (NM_001345975.2); c.1055G>A, p.Ser352Asn (NM_001345976.2); short protein forms S352N, S490N, S652N.
Identifiers: ClinVar variation 3059238 (VCV003059238.2), dbSNP rs10071816, ClinGen allele CA3371983.

ClinVar aggregate classification (germline): Benign (0 of 4 stars; one submission).

Conditions:
YTHDC2-related disorder. Also called: YTHDC2-related condition.

Allele frequency attached by ClinVar (database versions not stated): ESP Exome Variant Server 0.31629; gnomAD 0.31772; 1000 Genomes Project 0.33387; 1000 Genomes Project 30x 0.34385; TOPMed 0.34606.
gnomAD v4.1: 348,862 of 1,613,020 alleles (22%); highest among the groups gnomAD compares: African/African-American, 59%; 46,418 homozygotes.

Submission:

PreventionGenetics, part of Exact Sciences
Classification: Benign for YTHDC2-related condition. Last evaluated: 2019-10-21. Review status: no assertion criteria provided. Collection method: clinical testing. Allele origin: germline.
Comment: This variant is classified as benign based on ACMG/AMP sequence variant interpretation guidelines (Richards et al. 2015 PMID: 25741868, with internal and published modifications).